The following is an entry in ClinVar:

ClinVar aggregate classification (germline): Uncertain significance. Review status: criteria provided, multiple submitters, no conflicts (2 of 4 stars). 2 submissions from 2 submitters: Uncertain significance (2). Last evaluated 2024-03-21.

Conditions:
Inborn genetic diseases. Identifiers: MedGen C0950123, MeSH D030342.

Allele frequency attached by ClinVar (database versions not stated): ExAC 0.00001; TOPMed 0.00002; gnomAD exomes 0.00003.

Submissions (2):

Ambry Genetics
Classification: Uncertain significance for Inborn genetic diseases. Last evaluated: 2024-03-21. Review status: criteria provided, single submitter. Criteria: Ambry Variant Classification Scheme 2023. Collection method: clinical testing. Allele origin: germline.

Labcorp Genetics (formerly Invitae), Labcorp
Classification: Uncertain significance. Last evaluated: 2023-09-05. Review status: criteria provided, single submitter. Criteria: Invitae Variant Classification Sherloc (09022015). Collection method: clinical testing. Allele origin: germline.
Comment: This sequence change replaces proline, which is neutral and non-polar, with threonine, which is neutral and polar, at codon 698 of the MAST1 protein (p.Pro698Thr). The frequency data for this variant in the population databases is considered unreliable, as metrics indicate poor data quality at this position in the gnomAD database. This variant has not been reported in the literature in individuals affected with MAST1-related conditions. An algorithm developed to predict the effect of missense changes on protein structure and function (PolyPhen-2) suggests that this variant is likely to be disruptive. In summary, the available evidence is currently insufficient to determine the role of this variant in disease. Therefore, it has been classified as a Variant of Uncertain Significance.

NM_014975.3(MAST1):c.2092C>A (p.Pro698Thr)

Gene: MAST1 (microtubule associated serine/threonine kinase 1; plus strand). Cytogenetic location: 19p13.13.
Variant type: single nucleotide variant.
Coding change: c.2092C>A on transcript NM_014975.3 (MANE Select); coding-DNA position 2092, C replaced by A.
Protein change: p.Pro698Thr; replaces proline 698 with threonine.
Molecular consequence: missense variant.
Genome position (GRCh38, 1-based): chr19:12,866,715, C>A. VCF-style: chr19-12866715-C-A. GRCh37 (hg19) VCF-style: chr19-12977529-C-A.
Other names: c.2092C>A (NM_014975.2); short protein forms P698T.
Identifiers: ClinVar variation 2867874 (VCV002867874.4), dbSNP rs764554098, ClinGen allele CA9233033.